The following is an entry in ClinVar:

NM_000388.4(CASR):c.206G>A (p.Arg69His)

Gene: CASR (calcium sensing receptor; plus strand). Cytogenetic location: 3q21.1.
Variant type: single nucleotide variant.
Coding change: c.206G>A on transcript NM_000388.4 (MANE Select); coding-DNA position 206, G replaced by A.
Protein change: p.Arg69His; replaces arginine 69 with histidine.
Molecular consequence: missense variant.
Genome position (GRCh38, 1-based): chr3:122,257,101, G>A. VCF-style: chr3-122257101-G-A. GRCh37 (hg19) VCF-style: chr3-121975948-G-A.
Other names: c.206G>A, p.Arg69His (NM_001178065.2); c.206G>A (NM_001178065.1); short protein forms R69H.
Identifiers: ClinVar variation 35787 (VCV000035787.21), dbSNP rs193922432, ClinGen allele CA213579.
Genomic context (GRCh38, chr3:122,257,101, plus strand): 5'-AGAAAGCTTCCCATTTTCTTCCACTTCTTCTTTCTTCCAGGTATAATTTCCGTGGGTTTC[G>A]CTGGTTACAGGCTATGATATTTGCCATAGAGGAGATAAACAGCAGCCCAGCCCTTCTTCC-3'
Protein context (NP_000379.3, residues 59-79): ECIRYNFRGF[Arg69His]WLQAMIFAIE

ClinVar aggregate classification (germline): Pathogenic/Likely pathogenic. Review status: criteria provided, multiple submitters, no conflicts (2 of 4 stars). 8 submissions from 8 submitters: Pathogenic (4); Likely pathogenic (4). Last evaluated 2025-12-19.

Conditions:
CASR-related disorder. Also called: CASR-related condition.
Autosomal dominant hypocalcemia 1 (HYPOC1). Also called: HYPOCALCEMIA, FAMILIAL. Identifiers: MedGen C3715128, MONDO:0011013, OMIM 601198.
Familial hypocalciuric hypercalcemia (FHH). Also called: Familial benign hypercalcemia. Identifiers: Orphanet 405, MedGen C1809471, MONDO:0018458.
Nephrolithiasis/nephrocalcinosis. Identifiers: MedGen CN580796.
Familial hypocalciuric hypercalcemia 1. Also called: Hypercalcemia, familial benign type 1. Identifiers: Orphanet 405, Orphanet 93372, MedGen C0342637, MONDO:0007791, OMIM 145980.
Neonatal severe primary hyperparathyroidism. Identifiers: Orphanet 417, MedGen C1832615, MONDO:0009397, OMIM 239200.

Allele frequency attached by ClinVar (database versions not stated): gnomAD exomes below 0.00001; gnomAD 0.00001; TOPMed 0.00001; ExAC 0.00002.
gnomAD v4.1: 5 of 1,613,876 alleles (0.00031%); highest among the groups gnomAD compares: South Asian, 0.0011%; no homozygotes.

Submissions (8):

PreventionGenetics, part of Exact Sciences
Classification: Likely pathogenic for CASR-related condition. Last evaluated: 2025-12-19. Review status: criteria provided, single submitter. Criteria: ACMG Guidelines, 2015. Collection method: clinical testing. Allele origin: germline.
Comment: The CASR c.206G>A variant is predicted to result in the amino acid substitution p.Arg69His. This variant has been reported in both the homozygous state and compound heterozygous state in newborns with neonatal hyperparathyroidism; heterozygous family members were stated to have mild hypercalcemia (Wilhelm-Bals et al. 2012. PubMed ID: 22331334; Corrado et al. 2015. PubMed ID: 25828954; Murphy et al. 2016. PubMed ID: 26855056). This variant has also been reported in the heterozygous state in individuals with hypercalcemia (Wolf et al. 2014. PubMed ID: 24947037; Table S4, Vargas-Poussou et al. 2016. PubMed ID: 26963950; Table S1, Hureaux et al. 2019. PubMed ID: 31672324). This variant is reported in 0.0033% of alleles in individuals of South Asian descent in gnomAD, and is consistently classified as pathogenic/likely pathogenic by multiple submitters to ClinVar (Variation ID: 35787). Additionally, alternate missense changes impacting the same amino acid (p.Arg69Cys and p.Arg69Pro) have been reported in individuals with hypocalciuric hypercalcemia (Hannan et al. 2012. PubMed ID: 22422767; Wolf et al. 2014. PubMed ID: 24947037). Taken together, the c.206G>A (p.Arg69His) variant is interpreted as likely pathogenic.

Clinical Genetics Laboratory, Skane University Hospital Lund
Classification: Likely pathogenic for Familial hypocalciuric hypercalcemia 1. Last evaluated: 2025-10-10. Review status: criteria provided, single submitter. Criteria: ACMG Guidelines, 2015. Collection method: clinical testing. Allele origin: germline. Affected: yes.
Comment: ACMG criteria used: PS4, PP2, PP3.

Labcorp Genetics (formerly Invitae), Labcorp
Classification: Pathogenic for Familial hypocalciuric hypercalcemia; Autosomal dominant hypocalcemia 1. Last evaluated: 2025-04-29. Review status: criteria provided, single submitter. Criteria: Invitae Variant Classification Sherloc (09022015). Collection method: clinical testing. Allele origin: germline.
Comment: This sequence change replaces arginine, which is basic and polar, with histidine, which is basic and polar, at codon 69 of the CASR protein (p.Arg69His). The frequency data for this variant in the population databases is considered unreliable, as metrics indicate poor data quality at this position in the gnomAD database. This missense change has been observed in individuals with familial hypocalciuric hypercalcemia, primary hyperparathyroidism and neonatal primary hyperparathyroidism and/or seizures (PMID: 22331334, 24947037, 25828954, 26855056, 26963950, 31672324, 32761341, 33258288). Invitae Evidence Modeling of clinical and family history, age, sex, and reported ancestry of multiple individuals with this CASR variant has been performed. This variant is expected to be pathogenic with a positive predictive value of at least 99%. This is a validated machine learning model that incorporates the clinical features of 646,172 individuals referred to our laboratory for CASR testing. ClinVar contains an entry for this variant (Variation ID: 35787). An algorithm developed to predict the effect of missense changes on protein structure and function (PolyPhen-2) suggests that this variant is likely to be disruptive. This variant disrupts the p.Arg69 amino acid residue in CASR. Other variant(s) that disrupt this residue have been observed in individuals with CASR-related conditions (PMID: 24947037), which suggests that this may be a clinically significant amino acid residue. For these reasons, this variant has been classified as Pathogenic.

Athena Diagnostics
Classification: Likely pathogenic. Last evaluated: 2024-09-13. Review status: criteria provided, single submitter. Criteria: Athena Diagnostics Criteria. Collection method: clinical testing. Allele origin: unknown.
Comment: The frequency of this variant in the general population is consistent with pathogenicity. This variant has been identified in multiple unrelated individuals with clinical features of familial hypocalciuric hypercalcemia and has also been reported homozygous in individuals with neonatal severe hyperparathyroidism. Polyphen and MutationTaster predict this amino acid change may be damaging to the protein.

Ambry Genetics
Classification: Pathogenic for Nephrolithiasis/nephrocalcinosis. Last evaluated: 2024-03-25. Review status: criteria provided, single submitter. Criteria: Ambry Variant Classification Scheme 2023. Collection method: clinical testing. Allele origin: germline.
Comment: The p.R69H pathogenic mutation (also known as c.206G>A), located in coding exon 2 of the CASR gene, results from a G to A substitution at nucleotide position 206. The arginine at codon 69 is replaced by histidine, an amino acid with highly similar properties. This variant has been observed in multiple individual with a personal and/or family history that is consistent with familial hypocalciuric hypercalcemia (FHH1) and has been detected in both the homozygous state and compound heterozygous with another CASR variant in multiple patients with neonatal severe hyperparathyroidism (Wilhelm-Bals A et al. Pediatrics, 2012 Mar;129:e812-6; Wolf P et al. J Clin Endocrinol Metab, 2014 Sep;99:E1721-6; Corrado KR et al. J Bone Miner Res, 2015 Oct;30:1797-802; Murphy H et al. Eur J Med Genet, 2016 Apr;59:227-31). This amino acid position is highly conserved in available vertebrate species. In addition, this alteration is predicted to be deleterious by in silico analysis. Loss-of-function variants in CASR are known to cause familial hypocalciuric hypercalcemia (FHH1); however, such associations with CASR-related hypocalcemia (ADH1) have not been reported (Hannan F et al. Nat Rev Endocrinol. 2018 Dec 1; 15(1): 33&ndash;51). In addition, the evidence for the gene-disease relationship is limited for pancreatitis and cancer predisposition; therefore, the clinical significance of this variant for CASR-related pancreatitis and cancer predisposition is unclear. Based on the supporting evidence, this variant is pathogenic for FHH1; however, the association of this variant with ADH1 is unlikely.

Mendelics
Classification: Pathogenic for Familial hypocalciuric hypercalcemia 1. Last evaluated: 2022-05-04. Review status: criteria provided, single submitter. Criteria: Mendelics Assertion Criteria 2019. Collection method: clinical testing. Allele origin: germline.

Women's Health and Genetics/Laboratory Corporation of America, LabCorp
Classification: Pathogenic for Neonatal severe hyperparathyroidism. Last evaluated: 2020-10-28. Review status: criteria provided, single submitter. Criteria: LabCorp Variant Classification Summary - May 2015. Collection method: clinical testing. Allele origin: germline.
Comment: Variant summary: CASR c.206G>A (p.Arg69His) results in a non-conservative amino acid change located in the Receptor, ligand binding region domain (IPR001828) of the encoded protein sequence. Five of five in-silico tools predict a damaging effect of the variant on protein function. The variant allele was found at a frequency of 4e-06 in 251300 control chromosomes (gnomAD). c.206G>A has been reported in the literature in the homozygous or compound heterozygous state in individuals affected with Neonatal Severe Hyperparathyroidism (e.g. Wilhelm-Bals_2012, Corrado_2015, Murphy_2016), while it has also been reported in the heterozygous state in individuals affected with Familial Hypocalciuric Hypercalcemia (e.g. Wolf_2014, Corrado_2015, Vargas-Poussou_2016, Hureaux_2019). These data indicate that the variant is very likely to be associated with disease. To our knowledge, no experimental evidence demonstrating an impact on protein function has been reported. One ClinVar submitter (evaluation after 2014) cites the variant as likely pathogenic while another ClinVar submitter (evaluation after 2014) cites it as uncertain significance. Based on the evidence outlined above, the variant was classified as pathogenic.

GeneDx
Classification: Likely pathogenic. Last evaluated: 2017-06-30. Review status: criteria provided, single submitter. Criteria: GeneDx Variant Classification (06012015). Collection method: clinical testing. Allele origin: germline. Affected: yes.
Comment: The R69H variant in the CASR gene has previously been reported in association with familial hypocalciuric hypercalcemia and neonatal severe primary hyperparathyroidism (Wilhelm-Bals et al., 2012; Wolf et al., 2014; Corrado et al., 2015; Murphy et al., 2016). This variant is not observed at a significant frequency in large population cohorts (Lek et al., 2016; 1000 Genomes Consortium et al., 2015; Exome Variant Server). The R69H variant is a conservative amino acid substitution, which is not likely to impact secondary protein structure as these residues share similar properties. This substitution occurs at a position that is conserved across species, and in silico analysis predicts this variant is probably damaging to the protein structure/function. Based on the currently available information, R69H is a strong candidate for a pathogenic variant. However, the possibility that it may be a rare benign variant cannot be excluded.

Literature cited by the submitters: PubMed 22331334 (cited by 3 submitters); PubMed 24947037 (cited by 4 submitters); PubMed 25828954 (cited by 4 submitters); PubMed 26855056 (cited by 4 submitters); PubMed 26963950 (cited by 3 submitters); PubMed 31672324 (cited by 3 submitters); PubMed 32761341 (cited by Labcorp Genetics (formerly Invitae), Labcorp and Athena Diagnostics); PubMed 33258288 (cited by Labcorp Genetics (formerly Invitae), Labcorp and Athena Diagnostics); PubMed 25792032 (cited by Athena Diagnostics); PubMed 26646938 (cited by Athena Diagnostics and Women's Health and Genetics/Laboratory Corporation of America, LabCorp); PubMed 26161261 (cited by Athena Diagnostics and Women's Health and Genetics/Laboratory Corporation of America, LabCorp); PubMed 34088669 (cited by Athena Diagnostics); PubMed 35141253 (cited by Athena Diagnostics); PubMed 29273096 (cited by Athena Diagnostics); PubMed 30019023 (cited by Athena Diagnostics).